The following is an entry in ClinVar:

ClinVar aggregate classification (germline): Uncertain significance (1 of 4 stars; one submission).

Conditions:
Familial thoracic aortic aneurysm and aortic dissection (TAAD). Also called: Thoracic aortic aneurysms and dissections. Identifiers: Orphanet 91387, MedGen C4707243, MONDO:0019625.

gnomAD v4.1: 1 of 1,614,128 alleles (0.000062%); highest among the groups gnomAD compares: Non-Finnish European, 0.000085%; no homozygotes.

Submission:

Ambry Genetics
Classification: Uncertain significance for Familial thoracic aortic aneurysm and aortic dissection. Last evaluated: 2025-01-04. Review status: criteria provided, single submitter. Criteria: Ambry Variant Classification Scheme 2023. Collection method: clinical testing. Allele origin: germline.
Comment: The p.G1953R variant (also known as c.5857G>C), located in coding exon 40 of the MYH11 gene, results from a G to C substitution at nucleotide position 5857. The glycine at codon 1953 is replaced by arginine, an amino acid with dissimilar properties. This amino acid position is conserved. In addition, the in silico prediction for this alteration is inconclusive. Based on the available evidence, the clinical significance of this variant remains unclear.

NM_002474.3(MYH11):c.5857G>C (p.Gly1953Arg)

Genes: MYH11 (myosin heavy chain 11; minus strand), NDE1 (nudE neurodevelopment protein 1; plus strand). Cytogenetic location: 16p13.11.
Variant type: single nucleotide variant.
Coding change: c.5857G>C on transcript NM_002474.3 (MANE Select); coding-DNA position 5857, G replaced by C.
Protein change: p.Gly1953Arg; replaces glycine 1953 with arginine.
Molecular consequence: missense variant. On other transcripts: 3 prime UTR variant (2), intron variant (2).
Genome position (GRCh38, 1-based): chr16:15,704,053, C>G on the plus strand (G>C on the coding strand, the complement: MYH11 is on the minus strand). VCF-style: chr16-15704053-C-G. GRCh37 (hg19) VCF-style: chr16-15797910-C-G.
Other names: c.*79G>C (NM_001040113.2, NM_022844.3); c.5878G>C, p.Gly1960Arg (NM_001040114.2); c.947+7193C>G (NM_001143979.2, NM_017668.3); short protein forms G1960R, G1953R.
Identifiers: ClinVar variation 3156212 (VCV003156212.2), dbSNP rs776407200, ClinGen allele CA7921051.